The following is an entry in ClinVar:

ClinVar aggregate classification (germline): Uncertain significance (1 of 4 stars; one submission).

Submission:

Labcorp Genetics (formerly Invitae), Labcorp
Classification: Uncertain significance. Last evaluated: 2023-02-22. Review status: criteria provided, single submitter. Criteria: Invitae Variant Classification Sherloc (09022015). Collection method: clinical testing. Allele origin: germline.
Comment: This variant is not present in population databases (gnomAD no frequency). This sequence change replaces aspartic acid, which is acidic and polar, with glutamic acid, which is acidic and polar, at codon 394 of the AP3D1 protein (p.Asp394Glu). This variant has not been reported in the literature in individuals affected with AP3D1-related conditions. An algorithm developed to predict the effect of missense changes on protein structure and function (PolyPhen-2) suggests that this variant is likely to be disruptive. In summary, the available evidence is currently insufficient to determine the role of this variant in disease. Therefore, it has been classified as a Variant of Uncertain Significance.

NM_001261826.3(AP3D1):c.1182C>G (p.Asp394Glu)

Gene: AP3D1 (adaptor related protein complex 3 subunit delta 1; minus strand). Cytogenetic location: 19p13.3.
Variant type: single nucleotide variant.
Coding change: c.1182C>G on transcript NM_001261826.3 (MANE Select); coding-DNA position 1182, C replaced by G.
Protein change: p.Asp394Glu; replaces aspartic acid 394 with glutamic acid.
Molecular consequence: missense variant.
Genome position (GRCh38, 1-based): chr19:2,121,231, G>C on the plus strand (C>G on the coding strand, the complement: AP3D1 is on the minus strand). VCF-style: chr19-2121231-G-C. GRCh37 (hg19) VCF-style: chr19-2121230-G-C.
Other names: c.1182C>G, p.Asp394Glu (NM_001374799.1, NM_003938.8); short protein forms D394E.
Identifiers: ClinVar variation 2840024 (VCV002840024.3), dbSNP rs764577136, ClinGen allele CA403224067.